The following is an entry in ClinVar:

ClinVar aggregate classification (germline): Uncertain significance (1 of 4 stars; one submission).

Conditions:
Perlman syndrome (PRLMNS). Identifiers: Orphanet 2849, MedGen C0796113, MONDO:0009965, OMIM 267000.

Allele frequency attached by ClinVar (database versions not stated): gnomAD exomes below 0.00001 and 0.00001; TOPMed below 0.00001; ExAC 0.00001; gnomAD 0.00001.
gnomAD v4.1: 3 of 1,609,738 alleles (0.00019%); highest among the groups gnomAD compares: Non-Finnish European, 0.00025%; no homozygotes.

Submission:

Labcorp Genetics (formerly Invitae), Labcorp
Classification: Uncertain significance for Perlman syndrome. Last evaluated: 2024-10-23. Review status: criteria provided, single submitter. Criteria: Invitae Variant Classification Sherloc (09022015). Collection method: clinical testing. Allele origin: germline.
Comment: This sequence change replaces glutamic acid, which is acidic and polar, with glutamine, which is neutral and polar, at codon 203 of the DIS3L2 protein (p.Glu203Gln). This variant is present in population databases (rs761214979, gnomAD 0.003%). This variant has not been reported in the literature in individuals affected with DIS3L2-related conditions. ClinVar contains an entry for this variant (Variation ID: 566734). An algorithm developed to predict the effect of missense changes on protein structure and function (PolyPhen-2) suggests that this variant is likely to be tolerated. In summary, the available evidence is currently insufficient to determine the role of this variant in disease. Therefore, it has been classified as a Variant of Uncertain Significance.

NM_152383.5(DIS3L2):c.607G>C (p.Glu203Gln)

Gene: DIS3L2 (DIS3 like 3'-5' exoribonuclease 2; plus strand). Cytogenetic location: 2q37.1.
Variant type: single nucleotide variant.
Coding change: c.607G>C on transcript NM_152383.5 (MANE Select); coding-DNA position 607, G replaced by C.
Protein change: p.Glu203Gln; replaces glutamic acid 203 with glutamine.
Molecular consequence: missense variant. On other transcripts: non-coding transcript variant (2).
Genome position (GRCh38, 1-based): chr2:232,130,624, G>C. VCF-style: chr2-232130624-G-C. GRCh37 (hg19) VCF-style: chr2-232995334-G-C.
Other names: c.607G>C, p.Glu203Gln (NM_001257281.2, NM_001257282.2); short protein forms E203Q.
Identifiers: ClinVar variation 566734 (VCV000566734.10), dbSNP rs761214979, ClinGen allele CA2163884.